The following is an entry in ClinVar:

NM_003072.5(SMARCA4):c.3845A>C (p.Asn1282Thr)

Gene: SMARCA4 (SWI/SNF related BAF chromatin remodeling complex subunit ATPase 4; plus strand). Cytogenetic location: 19p13.2.
Variant type: single nucleotide variant.
Coding change: c.3845A>C on transcript NM_003072.5 (MANE Select); coding-DNA position 3845, A replaced by C.
Protein change: p.Asn1282Thr; replaces asparagine 1282 with threonine.
Molecular consequence: missense variant. On other transcripts: intron variant (5).
Genome position (GRCh38, 1-based): chr19:11,033,837, A>C. VCF-style: chr19-11033837-A-C. GRCh37 (hg19) VCF-style: chr19-11144513-A-C.
Other names: c.3845A>C, p.Asn1282Thr (NM_001128844.3, NM_001128849.3, NM_001387283.1); c.3775-286A>C (NM_001128847.4, NM_001374457.1, NM_001128845.2 and 2 more transcripts); short protein forms N1282T.
Identifiers: ClinVar variation 1735461 (VCV001735461.2), dbSNP rs1600393944, ClinGen allele CA404066731.

ClinVar aggregate classification (germline): Uncertain significance (1 of 4 stars; one submission).

Conditions:
Hereditary cancer-predisposing syndrome. Also called: Neoplastic Syndromes, Hereditary; Tumor predisposition; Hereditary Cancer Syndrome; Hereditary neoplastic syndrome. Identifiers: Orphanet 140162, MedGen C0027672, MeSH D009386, MONDO:0015356.

Submission:

Ambry Genetics
Classification: Uncertain significance for Hereditary cancer-predisposing syndrome. Last evaluated: 2015-07-14. Review status: criteria provided, single submitter. Criteria: Ambry Variant Classification Scheme 2023. Collection method: clinical testing. Allele origin: germline.
Comment: The p.N1282T variant (also known as c.3845A>C), located in coding exon 26 of the SMARCA4 gene, results from an A to C substitution at nucleotide position 3845. The asparagine at codon 1282 is replaced by threonine, an amino acid with similar properties. This variant was not reported in population based cohorts in the following databases: Database of Single Nucleotide Polymorphisms (dbSNP), NHLBI Exome Sequencing Project (ESP), and 1000 Genomes Project. In the ESP, this variant was not observed in 6497 samples (12994 alleles) with coverage at this position. This amino acid position is well conserved in available vertebrate species. In addition, this alteration is predicted to be tolerated by in silico analysis. Since supporting evidence is limited at this time, the clinical significance of this variant remains unclear.